The following is an entry in ClinVar:

ClinVar aggregate classification (germline): Uncertain significance (1 of 4 stars; one submission).

Submission:

Labcorp Genetics (formerly Invitae), Labcorp
Classification: Uncertain significance. Last evaluated: 2024-02-20. Review status: criteria provided, single submitter. Criteria: Invitae Variant Classification Sherloc (09022015). Collection method: clinical testing. Allele origin: germline.
Comment: This sequence change replaces serine, which is neutral and polar, with threonine, which is neutral and polar, at codon 270 of the BRD4 protein (p.Ser270Thr). This variant is not present in population databases (gnomAD no frequency). This variant has not been reported in the literature in individuals affected with BRD4-related conditions. Advanced modeling of protein sequence and biophysical properties (such as structural, functional, and spatial information, amino acid conservation, physicochemical variation, residue mobility, and thermodynamic stability) performed at Invitae indicates that this missense variant is not expected to disrupt BRD4 protein function with a negative predictive value of 80%. In summary, the available evidence is currently insufficient to determine the role of this variant in disease. Therefore, it has been classified as a Variant of Uncertain Significance.

NM_001379291.1(BRD4):c.809G>C (p.Ser270Thr)

Gene: BRD4 (bromodomain containing 4; minus strand). Cytogenetic location: 19p13.12.
Variant type: single nucleotide variant.
Coding change: c.809G>C on transcript NM_001379291.1 (MANE Select); coding-DNA position 809, G replaced by C.
Protein change: p.Ser270Thr; replaces serine 270 with threonine.
Molecular consequence: missense variant.
Genome position (GRCh38, 1-based): chr19:15,265,394, C>G on the plus strand (G>C on the coding strand, the complement: BRD4 is on the minus strand). VCF-style: chr19-15265394-C-G. GRCh37 (hg19) VCF-style: chr19-15376205-C-G.
Other names: c.809G>C, p.Ser270Thr (NM_001330384.2, NM_001379292.1, NM_014299.3 and 1 more transcripts); short protein forms S270T.
Identifiers: ClinVar variation 3642105 (VCV003642105.2).